The following is an entry in ClinVar:

ClinVar aggregate classification (germline): Uncertain significance. Review status: criteria provided, multiple submitters, no conflicts (2 of 4 stars). 2 submissions from 2 submitters: Uncertain significance (2). Last evaluated 2024-06-10.

Conditions:
Atrial conduction disease. Identifiers: Orphanet 436242, MedGen CN221670, MONDO:0014500.

Allele frequency attached by ClinVar (database versions not stated): gnomAD exomes below 0.00001; TOPMed below 0.00001; ExAC 0.00002.
gnomAD v4.1: 2 of 1,607,002 alleles (0.00012%); highest among the groups gnomAD compares: Non-Finnish European, 0.00017%; no homozygotes.

Submissions (2):

Laboratorio de Genetica e Diagnostico Molecular, Hospital Israelita Albert Einstein
Classification: Uncertain significance for Cardiac conduction disease with or without dilated cardiomyopathy 1. Last evaluated: 2024-06-10. Review status: criteria provided, single submitter. Criteria: ACMG Guidelines, 2015. Collection method: clinical testing. Allele origin: germline. Affected: yes.
Comment: ACMG classification criteria: PVS1 moderate, PM2 supporting

Labcorp Genetics (formerly Invitae), Labcorp
Classification: Uncertain significance. Last evaluated: 2023-12-05. Review status: criteria provided, single submitter. Criteria: Invitae Variant Classification Sherloc (09022015). Collection method: clinical testing. Allele origin: germline.
Comment: This sequence change affects an acceptor splice site in intron 3 of the TNNI3K gene. It is expected to disrupt RNA splicing. Variants that disrupt the donor or acceptor splice site typically lead to a loss of protein function (PMID: 16199547), however the current clinical and genetic evidence is not sufficient to establish whether loss-of-function variants in TNNI3K cause disease. This variant is present in population databases (rs766113814, gnomAD 0.002%). This variant has not been reported in the literature in individuals affected with TNNI3K-related conditions. ClinVar contains an entry for this variant (Variation ID: 1985041). Algorithms developed to predict the effect of sequence changes on RNA splicing suggest that this variant may disrupt the consensus splice site. In summary, the available evidence is currently insufficient to determine the role of this variant in disease. Therefore, it has been classified as a Variant of Uncertain Significance.

Literature cited by the submitters: PubMed 16199547 (cited by Labcorp Genetics (formerly Invitae), Labcorp).

NM_015978.3(TNNI3K):c.236-2A>G

Genes: FPGT-TNNI3K (FPGT-TNNI3K readthrough; plus strand), TNNI3K (TNNI3 interacting kinase; plus strand). Cytogenetic location: 1p31.1.
Variant type: single nucleotide variant.
Coding change: c.236-2A>G on transcript NM_015978.3 (MANE Select); the canonical splice acceptor site of the intron before coding-DNA position 236, A replaced by G.
Molecular consequence: splice acceptor variant.
Genome position (GRCh38, 1-based): chr1:74,250,670, A>G. VCF-style: chr1-74250670-A-G. GRCh37 (hg19) VCF-style: chr1-74716354-A-G.
Other names: c.539-2A>G (NM_001112808.3, NM_001199327.2).
Identifiers: ClinVar variation 1985041 (VCV001985041.5), dbSNP rs766113814, ClinGen allele CA908830.